The following is an entry in ClinVar:

NM_001035.3(RYR2):c.1775G>A (p.Gly592Glu)

Gene: RYR2 (ryanodine receptor 2; plus strand). Cytogenetic location: 1q43.
Variant type: single nucleotide variant.
Coding change: c.1775G>A on transcript NM_001035.3 (MANE Select); coding-DNA position 1775, G replaced by A.
Protein change: p.Gly592Glu; replaces glycine 592 with glutamic acid.
Molecular consequence: missense variant.
Genome position (GRCh38, 1-based): chr1:237,491,872, G>A. VCF-style: chr1-237491872-G-A. GRCh37 (hg19) VCF-style: chr1-237655172-G-A.
Other names: p.G592E:GGA>GAA; c.1775G>A, p.Gly592Glu (LRG_402t1); short protein forms G592E.
Identifiers: ClinVar variation 201222 (VCV000201222.20), dbSNP rs794728724, ClinGen allele CA008573.
Genomic context (GRCh38, chr1:237,491,872, plus strand): 5'-TGGAAGTTTTACACTGTGTTTTAGTAGAAAGTCCAGAAGCTCTAAATATTATTAAAGAAG[G>A]ACATATTAAATCTATTATCTCACTTTTAGACAAACATGGAAGAAATCACAAGGTAAATGA-3'
Protein context (NP_001026.2, residues 582-602): SPEALNIIKE[Gly592Glu]HIKSIISLLD

ClinVar aggregate classification (germline): Uncertain significance. Review status: criteria provided, multiple submitters, no conflicts (2 of 4 stars). 5 submissions from 5 submitters: Uncertain significance (5). Last evaluated 2025-07-10.

Conditions:
Cardiovascular phenotype. Identifiers: MedGen CN230736.
Catecholaminergic polymorphic ventricular tachycardia (CVPT). Also called: Catecholamine-induced polymorphic ventricular tachycardia. Identifiers: Orphanet 3286, MedGen C5574922, MONDO:0017990.
Cardiomyopathy (CMYO). Also called: Cardiomyopathies. Identifiers: Orphanet 167848, MedGen C0878544, MONDO:0004994, HP:0001638. Inheritance: Various modes of inheritance.
Catecholaminergic polymorphic ventricular tachycardia 1. Also called: RYR2-Related Catecholaminergic Polymorphic Ventricular Tachycardia; VENTRICULAR TACHYCARDIA, CATECHOLAMINERGIC POLYMORPHIC, 1, WITH OR WITHOUT ATRIAL DYSFUNCTION AND/OR DILATED CARDIOMYOPATHY; VENTRICULAR TACHYCARDIA, STRESS-INDUCED POLYMORPHIC 1. Identifiers: Orphanet 3286, MedGen C1631597, MONDO:0011484, OMIM 604772.

Allele frequency attached by ClinVar (database versions not stated): gnomAD 0.00001; gnomAD exomes 0.00001; TOPMed 0.00001.
gnomAD v4.1: 11 of 1,473,408 alleles (0.00075%); highest among the groups gnomAD compares: East Asian, 0.0024%; no homozygotes.

Submissions (5):

Color Diagnostics, LLC DBA Color Health
Classification: Uncertain significance for Cardiomyopathy. Last evaluated: 2025-07-10. Review status: criteria provided, single submitter. Criteria: ACMG Guidelines, 2015. Collection method: clinical testing. Allele origin: germline.
Comment: This missense variant replaces glycine with glutamic acid at codon 592 of the RYR2 protein. Computational prediction is inconclusive regarding the impact of this variant on protein structure and function. To our knowledge, functional studies have not been reported for this variant. This variant has not been reported in individuals affected with RYR2-related disorders in the literature. This variant has not been identified in the general population by the Genome Aggregation Database (gnomAD). The available evidence is insufficient to determine the role of this variant in disease conclusively. Therefore, this variant is classified as a Variant of Uncertain Significance.

Labcorp Genetics (formerly Invitae), Labcorp
Classification: Uncertain significance for Catecholaminergic polymorphic ventricular tachycardia 1. Last evaluated: 2023-12-19. Review status: criteria provided, single submitter. Criteria: Invitae Variant Classification Sherloc (09022015). Collection method: clinical testing. Allele origin: germline.
Comment: This sequence change replaces glycine, which is neutral and non-polar, with glutamic acid, which is acidic and polar, at codon 592 of the RYR2 protein (p.Gly592Glu). This variant is not present in population databases (gnomAD no frequency). This variant has not been reported in the literature in individuals affected with RYR2-related conditions. ClinVar contains an entry for this variant (Variation ID: 201222). Advanced modeling of protein sequence and biophysical properties (such as structural, functional, and spatial information, amino acid conservation, physicochemical variation, residue mobility, and thermodynamic stability) performed at Invitae indicates that this missense variant is not expected to disrupt RYR2 protein function with a negative predictive value of 95%. In summary, the available evidence is currently insufficient to determine the role of this variant in disease. Therefore, it has been classified as a Variant of Uncertain Significance.

Ambry Genetics
Classification: Uncertain significance for Cardiovascular phenotype. Last evaluated: 2023-11-06. Review status: criteria provided, single submitter. Criteria: Ambry Variant Classification Scheme 2023. Collection method: clinical testing. Allele origin: germline.
Comment: The p.G592E variant (also known as c.1775G>A), located in coding exon 18 of the RYR2 gene, results from a G to A substitution at nucleotide position 1775. The glycine at codon 592 is replaced by glutamic acid, an amino acid with similar properties. This amino acid position is well conserved in available vertebrate species. In addition, the in silico prediction for this alteration is inconclusive. Since supporting evidence is limited at this time, the clinical significance of this alteration remains unclear.

All of Us Research Program, National Institutes of Health
Classification: Uncertain significance for Catecholaminergic polymorphic ventricular tachycardia. Last evaluated: 2023-05-15. Review status: criteria provided, single submitter. Criteria: ACMG Guidelines, 2015. Collection method: clinical testing. Allele origin: germline. Inheritance: Autosomal dominant inheritance. Observed: 2 variant alleles, 2 heterozygotes.
Comment: This missense variant replaces glycine with glutamic acid at codon 592 of the RYR2 protein. Computational prediction is inconclusive regarding the impact of this variant on protein structure and function (internally defined REVEL score threshold 0.5 < inconclusive < 0.7, PMID: 27666373). To our knowledge, functional studies have not been reported for this variant. This variant has not been reported in individuals affected with cardiovascular disorders in the literature. This variant has not been identified in the general population by the Genome Aggregation Database (gnomAD). The available evidence is insufficient to determine the role of this variant in disease conclusively. Therefore, this variant is classified as a Variant of Uncertain Significance.

This study involves interpretation of variants in research participants for the purpose of population health screening. Participant phenotype was not available at the time of variant classification. Additional details can be found in publication PMID: 35346344, PMCID: PMC8962531

GeneDx
Classification: Uncertain significance. Last evaluated: 2017-11-10. Review status: criteria provided, single submitter. Criteria: GeneDx Variant Classification (06012015). Collection method: clinical testing. Allele origin: germline. Affected: yes.
Comment: p.Gly592Glu (GGA>GAA): c.1775 G>A in exon 18 of the RYR2 gene (NM_001035.2). The Gly592Glu variant in the RYR2 gene has not been reported as a disease-causing mutation or as a benign polymorphism to our knowledge. Gly592Glu results in a non-conservative amino acid substitution of a non-polar Glycine with a negatively charged Glutamic acid at a position that is conserved across species. In silico analysis predicts Gly592Glu is possibly damaging to the protein structure/function. The Gly592Glu variant was not observed in approximately 6,000 individuals of European and African American ancestry in the NHLBI Exome Sequencing Project, indicating it is not a common benign variant in these populations. Nevertheless, Gly592Glu does not occur in one of the mutation hot spot" regions of the RYR2 gene (Medeiros-Domingo A et al., 2009). With the clinical and molecular information available at this time, we cannot definitively determine if Gly592Glu is a disease-causing mutation or a rare benign variant. The variant is found in ARVC panel(s)."